The following is an entry in ClinVar:

ClinVar aggregate classification (germline): Uncertain significance (1 of 4 stars; one submission).

Conditions:
Inborn genetic diseases. Identifiers: MedGen C0950123, MeSH D030342.

gnomAD v4.1: 5 of 1,608,462 alleles (0.00031%); highest among the groups gnomAD compares: Non-Finnish European, 0.00025%; no homozygotes.

Submission:

Ambry Genetics
Classification: Uncertain significance for Inborn genetic diseases. Last evaluated: 2025-02-08. Review status: criteria provided, single submitter. Criteria: Ambry Variant Classification Scheme 2023. Collection method: clinical testing. Allele origin: germline.
Comment: The p.I632T variant (also known as c.1895T>C), located in coding exon 13 of the ERCC6L2 gene, results from a T to C substitution at nucleotide position 1895. The isoleucine at codon 632 is replaced by threonine, an amino acid with similar properties. This amino acid position is conserved. In addition, the in silico prediction for this alteration is inconclusive. Based on the available evidence, the clinical significance of this variant remains unclear.

NM_020207.7(ERCC6L2):c.1895T>C (p.Ile632Thr)

Gene: ERCC6L2 (ERCC excision repair 6 like 2; plus strand). Cytogenetic location: 9q22.32.
Variant type: single nucleotide variant.
Coding change: c.1895T>C on transcript NM_020207.7 (MANE Select); coding-DNA position 1895, T replaced by C.
Protein change: p.Ile632Thr; replaces isoleucine 632 with threonine.
Molecular consequence: missense variant. On other transcripts: non-coding transcript variant (1).
Genome position (GRCh38, 1-based): chr9:95,955,961, T>C. VCF-style: chr9-95955961-T-C. GRCh37 (hg19) VCF-style: chr9-98718243-T-C.
Other names: c.1895T>C, p.Ile632Thr (NM_001010895.4, NM_001375291.1, NM_001375292.1 and 2 more transcripts); short protein forms I632T.
Identifiers: ClinVar variation 3845923 (VCV003845923.1).